The following is an entry in ClinVar:

ClinVar aggregate classification (germline): Uncertain significance. Review status: criteria provided, multiple submitters, no conflicts (2 of 4 stars). 3 submissions from 3 submitters: Uncertain significance (3). Last evaluated 2026-05-05.

Conditions:
Inborn genetic diseases. Identifiers: MedGen C0950123, MeSH D030342.

Allele frequency attached by ClinVar (database versions not stated): gnomAD 0.00001; gnomAD exomes 0.00001; TOPMed 0.00005; ExAC 0.00006; ESP Exome Variant Server 0.00008.

Submissions (3):

GeneDx
Classification: Uncertain significance. Last evaluated: 2026-05-05. Review status: criteria provided, single submitter. Criteria: GeneDx Variant Classification Process June 2021. Collection method: clinical testing. Allele origin: germline.
Comment: In silico analysis supports that this missense variant has a deleterious effect on protein structure/function; Has not been previously published as pathogenic or benign to our knowledge

Ambry Genetics
Classification: Uncertain significance for Inborn genetic diseases. Last evaluated: 2024-05-07. Review status: criteria provided, single submitter. Criteria: Ambry Variant Classification Scheme 2023. Collection method: clinical testing. Allele origin: germline.

Labcorp Genetics (formerly Invitae), Labcorp
Classification: Uncertain significance. Last evaluated: 2022-04-29. Review status: criteria provided, single submitter. Criteria: Invitae Variant Classification Sherloc (09022015). Collection method: clinical testing. Allele origin: germline.
Comment: This sequence change replaces arginine, which is basic and polar, with histidine, which is basic and polar, at codon 88 of the NDUFV1 protein (p.Arg88His). This variant is present in population databases (rs143866203, gnomAD 0.02%). This variant has not been reported in the literature in individuals affected with NDUFV1-related conditions. Advanced modeling of protein sequence and biophysical properties (such as structural, functional, and spatial information, amino acid conservation, physicochemical variation, residue mobility, and thermodynamic stability) performed at Invitae indicates that this missense variant is expected to disrupt NDUFV1 protein function. In summary, the available evidence is currently insufficient to determine the role of this variant in disease. Therefore, it has been classified as a Variant of Uncertain Significance.

NM_007103.4(NDUFV1):c.263G>A (p.Arg88His)

Gene: NDUFV1 (NADH:ubiquinone oxidoreductase core subunit V1; plus strand). Cytogenetic location: 11q13.2.
Variant type: single nucleotide variant.
Coding change: c.263G>A on transcript NM_007103.4 (MANE Select); coding-DNA position 263, G replaced by A.
Protein change: p.Arg88His; replaces arginine 88 with histidine.
Molecular consequence: missense variant.
Genome position (GRCh38, 1-based): chr11:67,608,659, G>A. VCF-style: chr11-67608659-G-A. GRCh37 (hg19) VCF-style: chr11-67376130-G-A.
Other names: c.263G>A (NM_007103.3); c.236G>A, p.Arg79His (NM_001166102.2); short protein forms R79H, R88H.
Identifiers: ClinVar variation 2082668 (VCV002082668.4), dbSNP rs143866203, ClinGen allele CA6143121.
Genomic context (GRCh38, chr11:67,608,659, plus strand): 5'-TCCTGCTGAAGGGGCCCGACTGGATCCTGGGCGAGATCAAGACATCGGGTTTGAGGGGCC[G>A]TGGAGGCGCTGGCTTCCCCACTGGCCTCAAGTGGAGCTTCATGAATAAGCCCTCAGATGG-3'
Protein context (NP_009034.2, residues 78-98): GEIKTSGLRG[Arg88His]GGAGFPTGLK